The following is an entry in ClinVar:

ClinVar aggregate classification (germline): Uncertain significance (1 of 4 stars; one submission).

Submission:

Labcorp Genetics (formerly Invitae), Labcorp
Classification: Uncertain significance. Last evaluated: 2022-07-02. Review status: criteria provided, single submitter. Criteria: Invitae Variant Classification Sherloc (09022015). Collection method: clinical testing. Allele origin: germline.
Comment: This sequence change replaces histidine, which is basic and polar, with arginine, which is basic and polar, at codon 300 of the C8A protein (p.His300Arg). This variant is not present in population databases (gnomAD no frequency). This variant has not been reported in the literature in individuals affected with C8A-related conditions. Algorithms developed to predict the effect of missense changes on protein structure and function output the following: SIFT: "Tolerated"; PolyPhen-2: "Benign"; Align-GVGD: "Class C0". The arginine amino acid residue is found in multiple mammalian species, which suggests that this missense change does not adversely affect protein function. In summary, the available evidence is currently insufficient to determine the role of this variant in disease. Therefore, it has been classified as a Variant of Uncertain Significance.

NM_000562.3(C8A):c.899A>G (p.His300Arg)

Gene: C8A (complement C8 alpha chain; plus strand). Cytogenetic location: 1p32.2.
Variant type: single nucleotide variant.
Coding change: c.899A>G on transcript NM_000562.3 (MANE Select); coding-DNA position 899, A replaced by G.
Protein change: p.His300Arg; replaces histidine 300 with arginine.
Molecular consequence: missense variant.
Genome position (GRCh38, 1-based): chr1:56,885,970, A>G. VCF-style: chr1-56885970-A-G. GRCh37 (hg19) VCF-style: chr1-57351643-A-G.
Other names: short protein forms H300R.
Identifiers: ClinVar variation 1942503 (VCV001942503.2), dbSNP rs2522552403, ClinGen allele CA340508707.